The following is an entry in ClinVar:

NM_032578.4(MYPN):c.3569G>C (p.Arg1190Thr)

Gene: MYPN (myopalladin; plus strand). Cytogenetic location: 10q21.3.
Variant type: single nucleotide variant.
Coding change: c.3569G>C on transcript NM_032578.4 (MANE Select); coding-DNA position 3569, G replaced by C.
Protein change: p.Arg1190Thr; replaces arginine 1190 with threonine.
Molecular consequence: missense variant. On other transcripts: non-coding transcript variant (2).
Genome position (GRCh38, 1-based): chr10:68,201,904, G>C. VCF-style: chr10-68201904-G-C. GRCh37 (hg19) VCF-style: chr10-69961661-G-C.
Other names: c.3569G>C, p.Arg1190Thr (NM_001256267.2); c.2687G>C, p.Arg896Thr (NM_001256268.2); short protein forms R1190T, R896T.
Identifiers: ClinVar variation 1523687 (VCV001523687.7), dbSNP rs761506496, ClinGen allele CA5523093.
Genomic context (GRCh38, chr10:68,201,904, plus strand): 5'-AAGCACCTGTGATCCTGGAGAAACTACAGAACTGCGGTGTTCCCGAAGGCCACCCCGTGA[G>C]ACTGGAGTGCCGCGTGATAGGCATGCCCCCACCTGTGTTCTACTGGAAGAAAGACAATGA-3'
Protein context (NP_115967.2, residues 1180-1200): NCGVPEGHPV[Arg1190Thr]LECRVIGMPP

ClinVar aggregate classification (germline): Uncertain significance. Review status: criteria provided, multiple submitters, no conflicts (2 of 4 stars). 2 submissions from 2 submitters: Uncertain significance (2). Last evaluated 2023-08-07.

Conditions:
Dilated cardiomyopathy 1KK (CMD1KK). Identifiers: Orphanet 154, Orphanet 75249, MedGen C3714995, MONDO:0014100, OMIM 615248.

Allele frequency attached by ClinVar (database versions not stated): gnomAD exomes below 0.00001; ExAC 0.00001.
gnomAD v4.1: 9 of 1,614,166 alleles (0.00056%); highest among the groups gnomAD compares: Non-Finnish European, 0.00051%; no homozygotes.

Submissions (2):

Blueprint Genetics
Classification: Uncertain significance. Last evaluated: 2023-08-07. Review status: criteria provided, single submitter. Criteria: ACMG Guidelines, 2015. Collection method: clinical testing. Allele origin: germline.

Labcorp Genetics (formerly Invitae), Labcorp
Classification: Uncertain significance for Dilated cardiomyopathy 1KK. Last evaluated: 2021-10-08. Review status: criteria provided, single submitter. Criteria: Invitae Variant Classification Sherloc (09022015). Collection method: clinical testing. Allele origin: germline.
Comment: In summary, the available evidence is currently insufficient to determine the role of this variant in disease. Therefore, it has been classified as a Variant of Uncertain Significance. Algorithms developed to predict the effect of missense changes on protein structure and function are either unavailable or do not agree on the potential impact of this missense change (SIFT: "Deleterious"; PolyPhen-2: "Probably Damaging"; Align-GVGD: "Class C0"). This variant has not been reported in the literature in individuals affected with MYPN-related conditions. This variant is present in population databases (rs761506496, ExAC 0.02%). This sequence change replaces arginine with threonine at codon 1190 of the MYPN protein (p.Arg1190Thr). The arginine residue is highly conserved and there is a moderate physicochemical difference between arginine and threonine.